The following is an entry in ClinVar:

NM_001963.6(EGF):c.1190-2A>G

Gene: EGF (epidermal growth factor; plus strand). Cytogenetic location: 4q25.
Variant type: single nucleotide variant.
Coding change: c.1190-2A>G on transcript NM_001963.6 (MANE Select); the canonical splice acceptor site of the intron before coding-DNA position 1190, A replaced by G.
Molecular consequence: splice acceptor variant.
Genome position (GRCh38, 1-based): chr4:109,961,861, A>G. VCF-style: chr4-109961861-A-G. GRCh37 (hg19) VCF-style: chr4-110883017-A-G.
Other names: c.1190-2A>G (NM_001178130.3); c.1064-2A>G (NM_001178131.3, NM_001357021.2).
Identifiers: ClinVar variation 2133615 (VCV002133615.4), dbSNP rs2545780198, ClinGen allele CA357880780.

ClinVar aggregate classification (germline): Uncertain significance (1 of 4 stars; one submission).

Allele frequency attached by ClinVar (database versions not stated): gnomAD exomes below 0.00001.
gnomAD v4.1: 1 of 1,613,700 alleles (0.000062%); highest among the groups gnomAD compares: South Asian, 0.0011%; no homozygotes.

Submission:

Labcorp Genetics (formerly Invitae), Labcorp
Classification: Uncertain significance. Last evaluated: 2025-03-09. Review status: criteria provided, single submitter. Criteria: Invitae Variant Classification Sherloc (09022015). Collection method: clinical testing. Allele origin: germline.
Comment: This sequence change affects an acceptor splice site in intron 7 of the EGF gene. It is expected to disrupt RNA splicing. Variants that disrupt the donor or acceptor splice site typically lead to a loss of protein function (PMID: 16199547), however the current clinical and genetic evidence is not sufficient to establish whether loss-of-function variants in EGF cause disease. This variant is not present in population databases (gnomAD no frequency). This variant has not been reported in the literature in individuals affected with EGF-related conditions. ClinVar contains an entry for this variant (Variation ID: 2133615). Algorithms developed to predict the effect of sequence changes on RNA splicing suggest that this variant may disrupt the consensus splice site. In summary, the available evidence is currently insufficient to determine the role of this variant in disease. Therefore, it has been classified as a Variant of Uncertain Significance.

Literature cited by the submitters: PubMed 16199547.